The following is an entry in ClinVar:

NM_001018115.3(FANCD2):c.2145G>T (p.Val715=)

Genes: FANCD2 (FA complementation group D2; plus strand), LOC107303338 (3p25 FANCD2 Alu-mediated recombination region; plus strand). Cytogenetic location: 3p25.3.
Variant type: single nucleotide variant.
Coding change: c.2145G>T on transcript NM_001018115.3 (MANE Select); coding-DNA position 2145, G replaced by T.
Protein change: p.Val715=; no amino-acid change (valine 715 retained).
Molecular consequence: synonymous variant.
Genome position (GRCh38, 1-based): chr3:10,064,852, G>T. VCF-style: chr3-10064852-G-T. GRCh37 (hg19) VCF-style: chr3-10106536-G-T.
Other names: c.2145G>T, p.Val715= (NM_001319984.2, NM_001374254.1, NM_033084.6); c.2034G>T, p.Val678= (NM_001374253.1).
Identifiers: ClinVar variation 4534582 (VCV004534582.6).

ClinVar aggregate classification (germline): Likely benign (1 of 4 stars; one submission).

Submission:

CeGaT Center for Human Genetics Tuebingen
Classification: Likely benign. Last evaluated: 2025-12-01. Review status: criteria provided, single submitter. Criteria: CeGaT Center For Human Genetics Tuebingen Variant Classification Criteria Version 2. Collection method: clinical testing. Allele origin: germline. Affected: yes. Observed: 2 variant alleles.
Comment: FANCD2: PM2:Supporting, BP4, BP7